The following is an entry in ClinVar:

NM_174936.4(PCSK9):c.1528C>T (p.Arg510Trp)

Gene: PCSK9 (proprotein convertase subtilisin/kexin type 9; plus strand). Cytogenetic location: 1p32.3.
Variant type: single nucleotide variant.
Coding change: c.1528C>T on transcript NM_174936.4 (MANE Select); coding-DNA position 1528, C replaced by T.
Protein change: p.Arg510Trp; replaces arginine 510 with tryptophan.
Molecular consequence: missense variant.
Genome position (GRCh38, 1-based): chr1:55,059,510, C>T. VCF-style: chr1-55059510-C-T. GRCh37 (hg19) VCF-style: chr1-55525183-C-T.
Other names: c.1651C>T, p.Arg551Trp (NM_001407240.1); c.1570C>T, p.Arg524Trp (NM_001407241.1); c.1531C>T, p.Arg511Trp (NM_001407242.1); c.1471C>T, p.Arg491Trp (NM_001407243.1); c.1354C>T, p.Arg452Trp (NM_001407244.1); c.1336C>T, p.Arg446Trp (NM_001407245.1); c.1153C>T, p.Arg385Trp (NM_001407246.1); short protein forms R510W, R452W, R511W, R385W, R491W, R551W, R446W, R524W.
Identifiers: ClinVar variation 630165 (VCV000630165.9), dbSNP rs751649334, ClinGen allele CA037891.
Genomic context (GRCh38, chr1:55,059,510, plus strand): 5'-CTAAAGCAGATTCCCATTTCCGTCTTTGACTCTAAGGCCCAAGGGGGCAAGCTGGTCTGC[C>T]GGGCCCACAACGCTTTTGGGGGTGAGGGTGTCTACGCCATTGCCAGGTGCTGCCTGCTAC-3'
Protein context (NP_777596.2, residues 500-520): MEAQGGKLVC[Arg510Trp]AHNAFGGEGV

ClinVar aggregate classification (germline): Conflicting classifications of pathogenicity. Review status: criteria provided, conflicting classifications (1 of 4 stars). 3 submissions from 3 submitters: Uncertain significance (2); Likely benign (1). Last evaluated 2025-11-05.

Conditions:
Familial hypercholesterolemia. Also called: Familial hypercholesterolemias; Familial hypercholesterolaemia. Identifiers: MedGen C0020445, MONDO:0005439.
Hypercholesterolemia, autosomal dominant, 3 (FHCL3). Also called: Familial Hypercholesterolemia, Autosomal Dominant, 3; PCSK9-Related Familial Hypercholesterolemia, Autosomal Dominant; Familial hypercholesterolemia 3. Identifiers: MedGen C1863551, MONDO:0011369, OMIM 603776.

Allele frequency attached by ClinVar (database versions not stated): TOPMed below 0.00001; gnomAD exomes 0.00001; ExAC 0.00004.
gnomAD v4.1: 14 of 1,566,268 alleles (0.00089%); highest among the groups gnomAD compares: South Asian, 0.0023%; no homozygotes.

Submissions (3):

Color Diagnostics, LLC DBA Color Health
Classification: Likely benign for Familial hypercholesterolemia. Last evaluated: 2025-11-05. Review status: criteria provided, single submitter. Criteria: ACMG Guidelines, 2015. Collection method: clinical testing. Allele origin: germline.

Labcorp Genetics (formerly Invitae), Labcorp
Classification: Uncertain significance for Hypercholesterolemia, autosomal dominant, 3. Last evaluated: 2025-04-07. Review status: criteria provided, single submitter. Criteria: Invitae Variant Classification Sherloc (09022015). Collection method: clinical testing. Allele origin: germline.
Comment: This sequence change replaces arginine, which is basic and polar, with tryptophan, which is neutral and slightly polar, at codon 510 of the PCSK9 protein (p.Arg510Trp). The frequency data for this variant in the population databases is considered unreliable, as metrics indicate poor data quality at this position in the gnomAD database. This variant has not been reported in the literature in individuals affected with PCSK9-related conditions. ClinVar contains an entry for this variant (Variation ID: 630165). Invitae Evidence Modeling of protein sequence and biophysical properties (such as structural, functional, and spatial information, amino acid conservation, physicochemical variation, residue mobility, and thermodynamic stability) indicates that this missense variant is not expected to disrupt PCSK9 protein function with a negative predictive value of 80%. In summary, the available evidence is currently insufficient to determine the role of this variant in disease. Therefore, it has been classified as a Variant of Uncertain Significance.

All of Us Research Program, National Institutes of Health
Classification: Uncertain significance for Hypercholesterolemia, autosomal dominant, 3. Last evaluated: 2023-12-01. Review status: criteria provided, single submitter. Criteria: ACMG Guidelines, 2015. Collection method: clinical testing. Allele origin: germline. Inheritance: Autosomal dominant inheritance. Observed: 3 variant alleles, 3 heterozygotes.
Comment: This missense variant replaces arginine with tryptophan at codon 510 of the PCSK9 protein. Computational prediction tools and conservation analyses are inconclusive regarding the impact of this variant on the protein function. Computational splicing tools suggest that this variant may not impact RNA splicing. To our knowledge, functional assays have not been performed for this variant nor has this variant been reported in individuals affected with familial hypercholesterolemia in the literature. This variant has been identified in 1/176426 chromosomes in the general population by the Genome Aggregation Database (gnomAD). Available evidence is insufficient to determine the role of this variant in disease conclusively. Therefore, this variant is classified as a Variant of Uncertain Significance.

This study involves interpretation of variants in research participants for the purpose of population health screening. Participant phenotype was not available at the time of variant classification. Additional details can be found in publication PMID: 35346344, PMCID: PMC8962531